The following is an entry in ClinVar:

NM_022474.4(PALS1):c.1921A>G (p.Thr641Ala)

Genes: GPHN (gephyrin; plus strand), PALS1 (protein associated with LIN7 1, MAGUK p55 family member; plus strand). Cytogenetic location: 14q23.3.
Variant type: single nucleotide variant.
Coding change: c.1921A>G on transcript NM_022474.4 (MANE Select); coding-DNA position 1921, A replaced by G.
Protein change: p.Thr641Ala; replaces threonine 641 with alanine.
Molecular consequence: missense variant.
Genome position (GRCh38, 1-based): chr14:67,332,849, A>G. VCF-style: chr14-67332849-A-G. GRCh37 (hg19) VCF-style: chr14-67799566-A-G.
Other names: c.1819A>G, p.Thr607Ala (NM_001256550.2); short protein forms T607A, T641A.
Identifiers: ClinVar variation 2631553 (VCV002631553.1), dbSNP rs2085470130, ClinGen allele CA390132699.

ClinVar aggregate classification (germline): Uncertain significance (1 of 4 stars; one submission).

Conditions:
PALS1-related disorder. Also called: PALS1-related condition.

Submission:

PreventionGenetics, part of Exact Sciences
Classification: Uncertain significance for PALS1-related condition. Last evaluated: 2023-08-09. Review status: criteria provided, single submitter. Criteria: ACMG Guidelines, 2015. Collection method: clinical testing. Allele origin: germline.
Comment: The PALS1 c.1921A>G variant is predicted to result in the amino acid substitution p.Thr641Ala. To our knowledge, this variant has not been reported in the literature or in a large population database, indicating this variant is rare. At this time, the clinical significance of this variant is uncertain due to the absence of conclusive functional and genetic evidence.